The following is an entry in ClinVar:

ClinVar aggregate classification (germline): Uncertain significance (1 of 4 stars; one submission).

Conditions:
Baraitser-Winter syndrome 1 (BRWS1). Also called: PACHYGYRIA, MENTAL RETARDATION, EPILEPSY, AND CHARACTERISTIC FACIES; MENTAL RETARDATION WITH EPILEPSY AND CHARACTERISTIC FACIES; Cerebrofrontofacial syndrome; BARAITSER-WINTER SYNDROME 1, ATYPICAL. Identifiers: Orphanet 2649, Orphanet 2995, MedGen C1855722, MONDO:0009470, OMIM 243310.

Submission:

MVZ Medizinische Genetik Mainz
Classification: Uncertain significance for Baraitser-Winter syndrome 1. Last evaluated: 2026-01-19. Review status: criteria provided, single submitter. Criteria: UK Practice Guidelines For Variant Classification V4 01 2020. Collection method: clinical testing. Allele origin: germline. Inheritance: Autosomal dominant inheritance. Affected: yes. Observed: 1 variant allele.
Comment: ACMG Criteria: PM4,PM2_SUP,PP3

NM_001101.5(ACTB):c.23TCG[2] (p.Val10del)

Gene: ACTB (actin beta; minus strand). Cytogenetic location: 7p22.1.
Variant type: Microsatellite.
Coding change: c.23TCG[2] on transcript NM_001101.5 (MANE Select); two copies in a row of the 3-base unit TCG starting at c.23; the reference has three copies in a row; one copy, 3 bases deleted.
Protein change: p.Val10del; deletes valine 10.
Molecular consequence: inframe deletion.
Genome position (GRCh38, 1-based): chr7:5,529,627-5,529,629, CGA deleted on the plus strand (TCG on the coding strand, the reverse complement: ACTB is on the minus strand); deleting any 3 consecutive bases within chr7:5,529,627-5,529,635 gives the same sequence; the position shown is the placement nearest the transcript's 3' end. VCF-style (leftmost placement, unchanged base first): chr7-5529626-TCGA-T. GRCh37 (hg19) VCF-style: chr7-5569257-TCGA-T.
Other names: short protein forms V10del.
Identifiers: ClinVar variation 5038117 (VCV005038117.1).